The following is an entry in ClinVar:

ClinVar aggregate classification (germline): Uncertain significance. Review status: criteria provided, multiple submitters, no conflicts (2 of 4 stars). 2 submissions from 2 submitters: Uncertain significance (2). Last evaluated 2026-04-27.

Conditions:
Hereditary cancer-predisposing syndrome. Also called: Hereditary Cancer Syndrome; Tumor predisposition; Hereditary neoplastic syndrome; Neoplastic Syndromes, Hereditary. Identifiers: Orphanet 140162, MedGen C0027672, MeSH D009386, MONDO:0015356.
Familial adenomatous polyposis 1 (FAP1). Also called: FAMILIAL ADENOMATOUS POLYPOSIS 1, ATTENUATED; POLYPOSIS, ADENOMATOUS INTESTINAL. Identifiers: MedGen C2713442, MONDO:0021056, OMIM 175100. Disease mechanism: loss of function.

Allele frequency attached by ClinVar (database versions not stated): gnomAD exomes below 0.00001.
gnomAD v4.1: 2 of 1,612,758 alleles (0.00012%); highest among the groups gnomAD compares: Non-Finnish European, 0.00017%; no homozygotes.

Submissions (2):

Ambry Genetics
Classification: Uncertain significance for Hereditary cancer-predisposing syndrome. Last evaluated: 2026-04-27. Review status: criteria provided, single submitter. Criteria: Ambry Variant Classification Scheme 2023. Collection method: clinical testing. Allele origin: germline.
Comment: The p.Q2154E variant (also known as c.6460C>G), located in coding exon 15 of the APC gene, results from a C to G substitution at nucleotide position 6460. The glutamine at codon 2154 is replaced by glutamic acid, an amino acid with highly similar properties. This amino acid position is conserved. In addition, in silico predictors for this gene do not accurately predict pathogenicity. Based on the available evidence, the clinical significance of this variant remains unclear.

Labcorp Genetics (formerly Invitae), Labcorp
Classification: Uncertain significance for Familial adenomatous polyposis 1. Last evaluated: 2025-07-31. Review status: criteria provided, single submitter. Criteria: Invitae Variant Classification Sherloc (09022015). Collection method: clinical testing. Allele origin: germline.
Comment: This sequence change replaces glutamine, which is neutral and polar, with glutamic acid, which is acidic and polar, at codon 2154 of the APC protein (p.Gln2154Glu). This variant is present in population databases (no rsID available, gnomAD 0.0009%). This variant has not been reported in the literature in individuals affected with APC-related conditions. ClinVar contains an entry for this variant (Variation ID: 411427). Invitae Evidence Modeling of protein sequence and biophysical properties (such as structural, functional, and spatial information, amino acid conservation, physicochemical variation, residue mobility, and thermodynamic stability) indicates that this missense variant is not expected to disrupt APC protein function with a negative predictive value of 95%. In summary, the available evidence is currently insufficient to determine the role of this variant in disease. Therefore, it has been classified as a Variant of Uncertain Significance.

NM_000038.6(APC):c.6460C>G (p.Gln2154Glu)

Gene: APC (APC regulator of Wnt signaling pathway; plus strand). Cytogenetic location: 5q22.2.
Variant type: single nucleotide variant.
Coding change: c.6460C>G on transcript NM_000038.6 (MANE Select); coding-DNA position 6460, C replaced by G.
Protein change: p.Gln2154Glu; replaces glutamine 2154 with glutamic acid.
Molecular consequence: missense variant.
Genome position (GRCh38, 1-based): chr5:112,842,054, C>G. VCF-style: chr5-112842054-C-G. GRCh37 (hg19) VCF-style: chr5-112177751-C-G.
Other names: c.6460C>G, p.Gln2154Glu (NM_001127510.3, NM_001354895.2); c.6406C>G, p.Gln2136Glu (NM_001127511.3); c.6514C>G, p.Gln2172Glu (NM_001354896.2); c.6490C>G, p.Gln2164Glu (NM_001354897.2); c.6385C>G, p.Gln2129Glu (NM_001354898.2); c.6376C>G, p.Gln2126Glu (NM_001354899.2); c.6337C>G, p.Gln2113Glu (NM_001354900.2); c.6283C>G, p.Gln2095Glu (NM_001354901.2); and 5 more; short protein forms Q2136E, Q2154E, Q1994E, Q2095E, Q1871E, Q2028E, Q2063E, Q2129E.
Identifiers: ClinVar variation 411427 (VCV000411427.11), dbSNP rs1003613894, ClinGen allele CA16035465.